The following is an entry in ClinVar:

NM_005477.3(HCN4):c.179C>T (p.Ala60Val)

Gene: HCN4 (hyperpolarization activated cyclic nucleotide gated potassium channel 4; minus strand). Cytogenetic location: 15q24.1.
Variant type: single nucleotide variant.
Coding change: c.179C>T on transcript NM_005477.3 (MANE Select); coding-DNA position 179, C replaced by T.
Protein change: p.Ala60Val; replaces alanine 60 with valine.
Molecular consequence: missense variant.
Genome position (GRCh38, 1-based): chr15:73,368,092, G>A on the plus strand (C>T on the coding strand, the complement: HCN4 is on the minus strand). VCF-style: chr15-73368092-G-A. GRCh37 (hg19) VCF-style: chr15-73660433-G-A.
Other names: short protein forms A60V.
Identifiers: ClinVar variation 2868447 (VCV002868447.3), dbSNP rs2549080617, ClinGen allele CA393098789.
Genomic context (GRCh38, chr15:73,368,092, plus strand): 5'-GGCCCTTCGCTGTCCGCTGCCCCGAGGGCCGAGCTCCGGGACTCCGTGCCACCCGCGGCC[G>A]CCGAGGGGGAGGGCGAGGGCAGTGGCCGCAGCCGGATGCTCCTGCGGCTGGGGTCTTGGC-3'
Protein context (NP_005468.1, residues 50-70): LRPLPSPSPS[Ala60Val]AAGGTESRSS

ClinVar aggregate classification (germline): Uncertain significance (1 of 4 stars; one submission).

Conditions:
Brugada syndrome 8 (BRGDA8). Identifiers: Orphanet 130, MedGen C2751083, MONDO:0013148, OMIM 613123.

Allele frequency attached by ClinVar (database versions not stated): gnomAD exomes below 0.00001.
gnomAD v4.1: 4 of 1,493,098 alleles (0.00027%); highest among the groups gnomAD compares: Non-Finnish European, 0.00036%; no homozygotes.

Submission:

Labcorp Genetics (formerly Invitae), Labcorp
Classification: Uncertain significance for Brugada syndrome 8. Last evaluated: 2023-08-03. Review status: criteria provided, single submitter. Criteria: Invitae Variant Classification Sherloc (09022015). Collection method: clinical testing. Allele origin: germline.
Comment: Advanced modeling of protein sequence and biophysical properties (such as structural, functional, and spatial information, amino acid conservation, physicochemical variation, residue mobility, and thermodynamic stability) performed at Invitae indicates that this missense variant is not expected to disrupt HCN4 protein function. In summary, the available evidence is currently insufficient to determine the role of this variant in disease. Therefore, it has been classified as a Variant of Uncertain Significance. This variant has not been reported in the literature in individuals affected with HCN4-related conditions. This sequence change replaces alanine, which is neutral and non-polar, with valine, which is neutral and non-polar, at codon 60 of the HCN4 protein (p.Ala60Val). This variant is not present in population databases (gnomAD no frequency).